The following is an entry in ClinVar:

ClinVar aggregate classification (germline): Conflicting classifications of pathogenicity. Review status: criteria provided, conflicting classifications (1 of 4 stars). 4 submissions from 4 submitters: Uncertain significance (1); Likely benign (2). 1 of the submissions does not count toward it. Last evaluated 2025-12-30.

Conditions:
BBS12-related disorder. Also called: BBS12-related condition.
Bardet-Biedl syndrome (BBS). Identifiers: Orphanet 110, MedGen C0752166, MONDO:0015229.
Bardet-Biedl syndrome 12 (BBS12). Identifiers: Orphanet 110, MedGen C1859570, MONDO:0014440, OMIM 615989.

Allele frequency attached by ClinVar (database versions not stated): gnomAD 0.00001 and 0.00002; gnomAD exomes 0.00001; ExAC 0.00002; TOPMed 0.00002; 1000 Genomes Project 30x 0.00016; 1000 Genomes Project 0.00020.
gnomAD v4.1: 24 of 1,606,120 alleles (0.0015%); highest among the groups gnomAD compares: Middle Eastern, 0.017%; no homozygotes.

Submissions (4):

Labcorp Genetics (formerly Invitae), Labcorp
Classification: Likely benign for Bardet-Biedl syndrome. Last evaluated: 2025-12-30. Review status: criteria provided, single submitter. Criteria: Invitae Variant Classification Sherloc (09022015). Collection method: clinical testing. Allele origin: germline.

Blueprint Genetics
Classification: Likely benign. Last evaluated: 2021-05-12. Review status: criteria provided, single submitter. Criteria: ACMG Guidelines, 2015. Collection method: clinical testing. Allele origin: germline.

Illumina Laboratory Services, Illumina
Classification: Uncertain significance for Bardet-Biedl syndrome 12. Last evaluated: 2018-01-13. Review status: criteria provided, single submitter. Criteria: ICSL Variant Classification Criteria 13 December 2019. Collection method: clinical testing. Allele origin: germline.

PreventionGenetics, part of Exact Sciences
Classification: Likely benign for BBS12-related condition. Last evaluated: 2021-12-01. Review status: no assertion criteria provided. Collection method: clinical testing. Allele origin: germline. Not counted in ClinVar's aggregate classification.
Comment: This variant is classified as likely benign based on ACMG/AMP sequence variant interpretation guidelines (Richards et al. 2015 PMID: 25741868, with internal and published modifications).

NM_152618.3(BBS12):c.2016G>A (p.Ala672=)

Gene: BBS12 (Bardet-Biedl syndrome 12; plus strand). Cytogenetic location: 4q27.
Variant type: single nucleotide variant.
Coding change: c.2016G>A on transcript NM_152618.3 (MANE Select); coding-DNA position 2016, G replaced by A.
Protein change: p.Ala672=; no amino-acid change (alanine 672 retained).
Molecular consequence: synonymous variant.
Genome position (GRCh38, 1-based): chr4:122,743,908, G>A. VCF-style: chr4-122743908-G-A. GRCh37 (hg19) VCF-style: chr4-123665063-G-A.
Other names: c.2016G>A, p.Ala672= (NM_001178007.2).
Identifiers: ClinVar variation 900061 (VCV000900061.13), dbSNP rs186713451, ClinGen allele CA3069549.
Genomic context (GRCh38, chr4:122,743,908, plus strand): 5'-TTCAAATAAACTGGAGCAGATTCCGAGAGTTTATGACGTTGTTACACCAAAGATTGAGGC[G>A]TGGCGCCGAGCATTGGATTTAGTATTGTTAGTACTTCAGACAGACAGTGAAATAATTACT-3'
Protein context (NP_689831.2, residues 662-682): VYDVVTPKIE[Ala672=]WRRALDLVLL